The following is an entry in ClinVar:

NM_001178015.2(SLC4A10):c.1520T>G (p.Leu507Arg)

Gene: SLC4A10 (solute carrier family 4 member 10; plus strand). Cytogenetic location: 2q24.2.
Variant type: single nucleotide variant.
Coding change: c.1520T>G on transcript NM_001178015.2 (MANE Select); coding-DNA position 1520, T replaced by G.
Protein change: p.Leu507Arg; replaces leucine 507 with arginine.
Molecular consequence: missense variant.
Genome position (GRCh38, 1-based): chr2:161,904,081, T>G. VCF-style: chr2-161904081-T-G. GRCh37 (hg19) VCF-style: chr2-162760591-T-G.
Other names: c.1463T>G, p.Leu488Arg (NM_001178016.2, NM_001354445.2); c.1520T>G, p.Leu507Arg (NM_001354440.2); c.1553T>G, p.Leu518Arg (NM_001354441.2, NM_001354442.2); c.1466T>G, p.Leu489Arg (NM_001354443.2, NM_001354447.2); c.1517T>G, p.Leu506Arg (NM_001354444.2); c.1430T>G, p.Leu477Arg (NM_001354446.2, NM_001354450.2, NM_022058.4); c.1460T>G, p.Leu487Arg (NM_001354448.2); c.1427T>G, p.Leu476Arg (NM_001354449.2, NM_001354451.2); and 3 more; short protein forms L284R, L428R, L476R, L477R, L487R, L488R, L489R, L506R.
Identifiers: ClinVar variation 3365134 (VCV003365134.1).

ClinVar aggregate classification (germline): Uncertain significance (1 of 4 stars; one submission).

Submission:

GeneDx
Classification: Uncertain significance. Last evaluated: 2023-11-30. Review status: criteria provided, single submitter. Criteria: GeneDx Variant Classification Process June 2021. Collection method: clinical testing. Allele origin: germline. Affected: yes.
Comment: Not observed at significant frequency in large population cohorts (gnomAD); In silico analysis supports that this missense variant has a deleterious effect on protein structure/function; Has not been previously published as pathogenic or benign to our knowledge